The following is an entry in ClinVar:

ClinVar aggregate classification (germline): Conflicting classifications of pathogenicity. Review status: criteria provided, conflicting classifications (1 of 4 stars). 3 submissions from 3 submitters: Uncertain significance (2); Likely benign (1). Last evaluated 2025-07-29.

Allele frequency attached by ClinVar (database versions not stated): gnomAD exomes below 0.00001.
gnomAD v4.1: 6 of 1,611,308 alleles (0.00037%); highest among the groups gnomAD compares: East Asian, 0.0067%; no homozygotes.

Submissions (3):

Labcorp Genetics (formerly Invitae), Labcorp
Classification: Likely benign. Last evaluated: 2025-07-29. Review status: criteria provided, single submitter. Criteria: Invitae Variant Classification Sherloc (09022015). Collection method: clinical testing. Allele origin: germline.

Blueprint Genetics
Classification: Uncertain significance. Last evaluated: 2024-04-12. Review status: criteria provided, single submitter. Criteria: ACMG Guidelines, 2015. Collection method: clinical testing. Allele origin: germline.

GeneDx
Classification: Uncertain significance. Last evaluated: 2020-06-18. Review status: criteria provided, single submitter. Criteria: GeneDx Variant Classification Process June 2021. Collection method: clinical testing. Allele origin: germline. Affected: yes.
Comment: Has not been previously published as pathogenic or benign to our knowledge; Not observed at a significant frequency in large population cohorts (Lek et al., 2016); In silico analysis supports that this variant does not alter splicing

NM_006005.3(WFS1):c.672G>A (p.Gln224=)

Gene: WFS1 (wolframin ER transmembrane glycoprotein; plus strand). Cytogenetic location: 4p16.1.
Variant type: single nucleotide variant.
Coding change: c.672G>A on transcript NM_006005.3 (MANE Select); coding-DNA position 672, G replaced by A.
Protein change: p.Gln224=; no amino-acid change (glutamine 224 retained).
Molecular consequence: synonymous variant.
Genome position (GRCh38, 1-based): chr4:6,291,957, G>A. VCF-style: chr4-6291957-G-A. GRCh37 (hg19) VCF-style: chr4-6293684-G-A.
Other names: c.672G>A, p.Gln224= (NM_001145853.1).
Identifiers: ClinVar variation 1217584 (VCV001217584.12), dbSNP rs1224486316, ClinGen allele CA438211069.